The following is an entry in ClinVar:

NM_020964.3(EPG5):c.4651G>T (p.Ala1551Ser)

Gene: EPG5 (ectopic P-granules 5 autophagy tethering factor; minus strand). Cytogenetic location: 18q12.3.
Variant type: single nucleotide variant.
Coding change: c.4651G>T on transcript NM_020964.3 (MANE Select); coding-DNA position 4651, G replaced by T.
Protein change: p.Ala1551Ser; replaces alanine 1551 with serine.
Molecular consequence: missense variant.
Genome position (GRCh38, 1-based): chr18:45,899,562, C>A on the plus strand (G>T on the coding strand, the complement: EPG5 is on the minus strand). VCF-style: chr18-45899562-C-A. GRCh37 (hg19) VCF-style: chr18-43479527-C-A.
Other names: c.4651G>T, p.Ala1551Ser (NM_001410858.1, NM_001410859.1); short protein forms A1551S.
Identifiers: ClinVar variation 2049704 (VCV002049704.1), dbSNP rs2049558453, ClinGen allele CA402337085.

ClinVar aggregate classification (germline): Uncertain significance (1 of 4 stars; one submission).

Conditions:
Vici syndrome (VICIS). Identifiers: Orphanet 1493, MedGen C1855772, MONDO:0009452, OMIM 242840.

Submission:

Labcorp Genetics (formerly Invitae), Labcorp
Classification: Uncertain significance for Vici syndrome. Last evaluated: 2021-12-25. Review status: criteria provided, single submitter. Criteria: Invitae Variant Classification Sherloc (09022015). Collection method: clinical testing. Allele origin: germline.
Comment: This sequence change replaces alanine, which is neutral and non-polar, with serine, which is neutral and polar, at codon 1551 of the EPG5 protein (p.Ala1551Ser). This variant is not present in population databases (gnomAD no frequency). This variant has not been reported in the literature in individuals affected with EPG5-related conditions. Algorithms developed to predict the effect of missense changes on protein structure and function are either unavailable or do not agree on the potential impact of this missense change (SIFT: "Tolerated"; PolyPhen-2: "Probably Damaging"; Align-GVGD: "Class C15"). In summary, the available evidence is currently insufficient to determine the role of this variant in disease. Therefore, it has been classified as a Variant of Uncertain Significance.